The following is an entry in ClinVar:

NM_000152.5(GAA):c.848T>C (p.Leu283Pro)

Gene: GAA (alpha glucosidase; plus strand). Cytogenetic location: 17q25.3.
Variant type: single nucleotide variant.
Coding change: c.848T>C on transcript NM_000152.5 (MANE Select); coding-DNA position 848, T replaced by C.
Protein change: p.Leu283Pro; replaces leucine 283 with proline.
Molecular consequence: missense variant.
Genome position (GRCh38, 1-based): chr17:80,107,712, T>C. VCF-style: chr17-80107712-T-C. GRCh37 (hg19) VCF-style: chr17-78081511-T-C.
Other names: c.848T>C, p.Leu283Pro (NM_001079803.3, NM_001079804.3, NM_001406741.1 and 1 more transcripts); short protein forms L283P.
Identifiers: ClinVar variation 4854635 (VCV004854635.1).

ClinVar aggregate classification (germline): Uncertain significance (1 of 4 stars; one submission).

Conditions:
Glycogen storage disease, type II (IOPD). Also called: Glucosidase acid-1,4-alpha deficiency; CARDIOMEGALIA GLYCOGENICA DIFFUSA; GLYCOGENOSIS, GENERALIZED, CARDIAC FORM; Glycogen storage disease type 2; Acid maltase deficiency disease; Aglucosidase alfa. Identifiers: Orphanet 365, MedGen C0017921, MONDO:0009290, OMIM 232300.

Submission:

3billion
Classification: Uncertain significance for Glycogen storage disease, type II. Last evaluated: 2025-10-03. Review status: criteria provided, single submitter. Criteria: ACMG Guidelines, 2015. Collection method: clinical testing. Allele origin: germline. Affected: yes.
Comment: The variant is not observed in the gnomAD v4.1.0 dataset. Predicted Consequence/Location: Missense variant In silico tool predictions suggest damaging effect of the variant on gene or gene product [3Cnet: 0.77 (> 0.75, sensitivity 0.96 and precision 0.92)]. The variant is in trans with the other variant. Therefore, this variant is classified as VUS according to the recommendation of ACMG/AMP guideline.